The following is an entry in ClinVar:

ClinVar aggregate classification (germline): Uncertain significance (1 of 4 stars; one submission).

Conditions:
Inborn genetic diseases. Identifiers: MedGen C0950123, MeSH D030342.

Submission:

Ambry Genetics
Classification: Uncertain significance for Inborn genetic diseases. Last evaluated: 2023-05-05. Review status: criteria provided, single submitter. Criteria: Ambry Variant Classification Scheme 2023. Collection method: clinical testing. Allele origin: germline.
Comment: The c.2749C>T (p.P917S) alteration is located in exon 18 (coding exon 18) of the CUX1 gene. This alteration results from a C to T substitution at nucleotide position 2749, causing the proline (P) at amino acid position 917 to be replaced by a serine (S). This variant was not reported in population-based cohorts in the Genome Aggregation Database (gnomAD). This amino acid position is highly conserved in available vertebrate species. This alteration is predicted to be tolerated by in silico analysis. Based on insufficient or conflicting evidence, the clinical significance of this alteration remains unclear.

NM_181552.4(CUX1):c.2716C>T (p.Pro906Ser)

Gene: CUX1 (cut like homeobox 1; plus strand). Cytogenetic location: 7q22.1.
Variant type: single nucleotide variant.
Coding change: c.2716C>T on transcript NM_181552.4 (MANE Select); coding-DNA position 2716, C replaced by T.
Protein change: p.Pro906Ser; replaces proline 906 with serine.
Molecular consequence: missense variant. On other transcripts: intron variant (5).
Genome position (GRCh38, 1-based): chr7:102,202,013, C>T. VCF-style: chr7-102202013-C-T. GRCh37 (hg19) VCF-style: chr7-101845293-C-T.
Other names: c.2749C>T, p.Pro917Ser (NM_001202543.2); c.1255+6410C>T (NM_001913.5); c.1249+6410C>T (NM_181500.4); c.1117+6410C>T (NM_001202545.3); c.1207+6410C>T (NM_001202544.3); c.1138+6410C>T (NM_001202546.3); short protein forms P917S, P906S.
Identifiers: ClinVar variation 2526411 (VCV002526411.2), dbSNP rs2485470078, ClinGen allele CA368683870.